The following is an entry in ClinVar:

ClinVar aggregate classification (germline): Uncertain significance. Review status: criteria provided, multiple submitters, no conflicts (2 of 4 stars). 2 submissions from 2 submitters: Uncertain significance (2). Last evaluated 2025-04-11.

Conditions:
Inborn genetic diseases. Identifiers: MedGen C0950123, MeSH D030342.

gnomAD v4.1: 3 of 1,614,022 alleles (0.00019%); highest among the groups gnomAD compares: Admixed American, 0.005%; no homozygotes.

Submissions (2):

Ambry Genetics
Classification: Uncertain significance for Inborn genetic diseases. Last evaluated: 2025-04-11. Review status: criteria provided, single submitter. Criteria: Ambry Variant Classification Scheme 2023. Collection method: clinical testing. Allele origin: germline.

Labcorp Genetics (formerly Invitae), Labcorp
Classification: Uncertain significance. Last evaluated: 2021-05-06. Review status: criteria provided, single submitter. Criteria: Invitae Variant Classification Sherloc (09022015). Collection method: clinical testing. Allele origin: germline.
Comment: In summary, the available evidence is currently insufficient to determine the role of this variant in disease. Therefore, it has been classified as a Variant of Uncertain Significance. Algorithms developed to predict the effect of missense changes on protein structure and function are either unavailable or do not agree on the potential impact of this missense change (SIFT: "Deleterious"; PolyPhen-2: "Probably Damaging"; Align-GVGD: "Class C15"). This variant has not been reported in the literature in individuals with CNGA1-related conditions. This variant is present in population databases (rs751530506, ExAC 0.009%). This sequence change replaces tryptophan with cysteine at codon 265 of the CNGA1 protein (p.Trp265Cys). The tryptophan residue is moderately conserved and there is a large physicochemical difference between tryptophan and cysteine.

NM_001379270.1(CNGA1):c.783G>C (p.Trp261Cys)

Genes: CNGA1 (cyclic nucleotide gated channel subunit alpha 1; minus strand), LOC101927157 (uncharacterized LOC101927157; plus strand). Cytogenetic location: 4p12.
Variant type: single nucleotide variant.
Coding change: c.783G>C on transcript NM_001379270.1 (MANE Select); coding-DNA position 783, G replaced by C.
Protein change: p.Trp261Cys; replaces tryptophan 261 with cysteine.
Molecular consequence: missense variant.
Genome position (GRCh38, 1-based): chr4:47,937,699, C>G on the plus strand (G>C on the coding strand, the complement: CNGA1 is on the minus strand). VCF-style: chr4-47937699-C-G. GRCh37 (hg19) VCF-style: chr4-47939716-C-G.
Other names: c.783G>C, p.Trp261Cys (NM_000087.5, NM_001142564.2); c.795G>C (NM_000087.3); short protein forms W261C.
Identifiers: ClinVar variation 1351784 (VCV001351784.9), dbSNP rs751530506, ClinGen allele CA2911192.
Genomic context (GRCh38, chr4:47,937,699, plus strand): 5'-GAAGAACTCAAACATACGAGAGAACCGTAACAACCTGTTTAATCTAATTTCTGGATAGTT[C>G]CACCCTAACTTAAAATACAGCAAATCAGTTGGTATCAGTGACAGAACATCAAGTTTAAAT-3'
Protein context (NP_001366199.1, residues 251-271): PTDLLYFKLG[Trp261Cys]NYPEIRLNRL